The following is an entry in ClinVar:

NM_005918.4(MDH2):c.916G>T (p.Gly306Cys)

Gene: MDH2 (malate dehydrogenase 2; plus strand). Cytogenetic location: 7q11.23.
Variant type: single nucleotide variant.
Coding change: c.916G>T on transcript NM_005918.4 (MANE Select); coding-DNA position 916, G replaced by T.
Protein change: p.Gly306Cys; replaces glycine 306 with cysteine.
Molecular consequence: missense variant.
Genome position (GRCh38, 1-based): chr7:76,066,309, G>T. VCF-style: chr7-76066309-G-T. GRCh37 (hg19) VCF-style: chr7-75695627-G-T.
Other names: c.790G>T, p.Gly264Cys (NM_001282403.2); c.595G>T, p.Gly199Cys (NM_001282404.2); short protein forms G199C, G264C, G306C.
Identifiers: ClinVar variation 3225223 (VCV003225223.1), dbSNP rs373968974, ClinGen allele CA367769746.
Genomic context (GRCh38, chr7:76,066,309, plus strand): 5'-TTCATTTTAACATGTTCCCATCTCCCTCAGAAAAAGGGCATCGAGAAGAACCTGGGCATC[G>T]GCAAAGTCTCCTCTTTTGAGGAGAAGATGATCTCGGATGCCATCCCCGAGCTGAAGGCCT-3'
Protein context (NP_005909.2, residues 296-316): KKGIEKNLGI[Gly306Cys]KVSSFEEKMI

ClinVar aggregate classification (germline): Uncertain significance (1 of 4 stars; one submission).

Conditions:
Inborn genetic diseases. Identifiers: MedGen C0950123, MeSH D030342.

Submission:

Ambry Genetics
Classification: Uncertain significance for Inborn genetic diseases. Last evaluated: 2023-10-23. Review status: criteria provided, single submitter. Criteria: Ambry Variant Classification Scheme 2023. Collection method: clinical testing. Allele origin: germline.
Comment: The p.G306C variant (also known as c.916G>T), located in coding exon 9 of the MDH2 gene, results from a G to T substitution at nucleotide position 916. The glycine at codon 306 is replaced by cysteine, an amino acid with highly dissimilar properties. This amino acid position is conserved. In addition, this alteration is predicted to be deleterious by in silico analysis. Since supporting evidence is limited at this time, the clinical significance of this alteration remains unclear.